The following is an entry in ClinVar:

ClinVar aggregate classification (germline): Uncertain significance. Review status: criteria provided, multiple submitters, no conflicts (2 of 4 stars). 2 submissions from 2 submitters: Uncertain significance (2). Last evaluated 2024-11-07.

Allele frequency attached by ClinVar (database versions not stated): ExAC 0.00003; TOPMed 0.00005; gnomAD exomes 0.00006 and 0.00011; gnomAD 0.00007; ESP Exome Variant Server 0.00015.
gnomAD v4.1: 173 of 1,613,464 alleles (0.011%); highest among the groups gnomAD compares: Non-Finnish European, 0.014%; no homozygotes.

Submissions (2):

Labcorp Genetics (formerly Invitae), Labcorp
Classification: Uncertain significance. Last evaluated: 2024-11-07. Review status: criteria provided, single submitter. Criteria: Invitae Variant Classification Sherloc (09022015). Collection method: clinical testing. Allele origin: germline.
Comment: This sequence change replaces arginine, which is basic and polar, with tryptophan, which is neutral and slightly polar, at codon 105 of the TMEM126A protein (p.Arg105Trp). This variant is present in population databases (rs370594330, gnomAD 0.02%). This variant has not been reported in the literature in individuals affected with TMEM126A-related conditions. ClinVar contains an entry for this variant (Variation ID: 839400). An algorithm developed to predict the effect of missense changes on protein structure and function (PolyPhen-2) suggests that this variant is likely to be disruptive. In summary, the available evidence is currently insufficient to determine the role of this variant in disease. Therefore, it has been classified as a Variant of Uncertain Significance.

Blueprint Genetics
Classification: Uncertain significance. Last evaluated: 2024-10-10. Review status: criteria provided, single submitter. Criteria: ACMG Guidelines, 2015. Collection method: clinical testing. Allele origin: germline.

NM_032273.4(TMEM126A):c.313C>T (p.Arg105Trp)

Gene: TMEM126A (transmembrane protein 126A; plus strand). Cytogenetic location: 11q14.1.
Variant type: single nucleotide variant.
Coding change: c.313C>T on transcript NM_032273.4 (MANE Select); coding-DNA position 313, C replaced by T.
Protein change: p.Arg105Trp; replaces arginine 105 with tryptophan.
Molecular consequence: missense variant.
Genome position (GRCh38, 1-based): chr11:85,655,626, C>T. VCF-style: chr11-85655626-C-T. GRCh37 (hg19) VCF-style: chr11-85366670-C-T.
Other names: c.103C>T, p.Arg35Trp (NM_001244735.2); short protein forms R35W, R105W.
Identifiers: ClinVar variation 839400 (VCV000839400.7), dbSNP rs370594330, ClinGen allele CA6212759.